The following is an entry in ClinVar:

ClinVar aggregate classification (germline): Uncertain significance (1 of 4 stars; one submission).

Conditions:
MC3R-related disorder. Also called: MC3R-related condition.

Submission:

PreventionGenetics, part of Exact Sciences
Classification: Uncertain significance for MC3R-related condition. Last evaluated: 2025-01-13. Review status: criteria provided, single submitter. Criteria: ACMG Guidelines, 2015. Collection method: clinical testing. Allele origin: germline.
Comment: The MC3R c.657G>C variant is predicted to result in the amino acid substitution p.Lys219Asn. To our knowledge, this variant has not been reported in the literature. This variant is reported in 0.00088% of alleles in individuals of European (Non-Finnish) descent in gnomAD. At this time, the clinical significance of this variant is uncertain due to the absence of conclusive functional and genetic evidence.

NM_019888.3(MC3R):c.657G>C (p.Lys219Asn)

Gene: MC3R (melanocortin 3 receptor; plus strand). Cytogenetic location: 20q13.2.
Variant type: single nucleotide variant.
Coding change: c.657G>C on transcript NM_019888.3 (MANE Select); coding-DNA position 657, G replaced by C.
Protein change: p.Lys219Asn; replaces lysine 219 with asparagine.
Molecular consequence: missense variant.
Genome position (GRCh38, 1-based): chr20:56,249,500, G>C. VCF-style: chr20-56249500-G-C. GRCh37 (hg19) VCF-style: chr20-54824556-G-C.
Other names: short protein forms K219N.
Identifiers: ClinVar variation 4984630 (VCV004984630.1).